The following is an entry in ClinVar:

ClinVar aggregate classification (germline): Uncertain significance (1 of 4 stars; one submission).

Submission:

Ambry Genetics
Classification: Uncertain significance. Last evaluated: 2025-11-24. Review status: criteria provided, single submitter. Criteria: Ambry Variant Classification Scheme 2023. Collection method: clinical testing. Allele origin: germline.
Comment: The c.2390G>A (p.R797H) alteration is located in exon 17 (coding exon 17) of the AGO4 gene. This alteration results from a G to A substitution at nucleotide position 2390, causing the arginine (R) at amino acid position 797 to be replaced by a histidine (H). Based on data from gnomAD, the A allele has an overall frequency of <0.001% (0/251342) total alleles studied. The highest observed frequency was <0.001% (/) of alleles. Based on insufficient or conflicting evidence, the clinical significance of this alteration remains unclear.

NM_017629.4(AGO4):c.2390G>A (p.Arg797His)

Gene: AGO4 (argonaute RISC component 4; plus strand). Cytogenetic location: 1p34.3.
Variant type: single nucleotide variant.
Coding change: c.2390G>A on transcript NM_017629.4 (MANE Select); coding-DNA position 2390, G replaced by A.
Protein change: p.Arg797His; replaces arginine 797 with histidine.
Molecular consequence: missense variant. On other transcripts: non-coding transcript variant (1).
Genome position (GRCh38, 1-based): chr1:35,850,966, G>A. VCF-style: chr1-35850966-G-A. GRCh37 (hg19) VCF-style: chr1-36316567-G-A.
Other names: short protein forms R797H.
Identifiers: ClinVar variation 4639008 (VCV004639008.1).